The following is an entry in ClinVar:

ClinVar aggregate classification (germline): Likely pathogenic (1 of 4 stars; one submission).

Conditions:
Mucopolysaccharidosis, MPS-III-B (MPS3B). Also called: MUCOPOLYSACCHARIDOSIS, TYPE IIIB; Mucopolysaccharidosis type IIIB (Sanfilippo B); N-ACETYL-ALPHA-D-GLUCOSAMINIDASE DEFICIENCY; NAGLU DEFICIENCY; SANFILIPPO SYNDROME B; MPS III B. Identifiers: Orphanet 79270, MedGen C0086648, MONDO:0009656, OMIM 252920.

Submission:

Myriad Genetics, Inc.
Classification: Likely pathogenic for Mucopolysaccharidosis, MPS-III-B. Last evaluated: 2022-03-15. Review status: criteria provided, single submitter. Criteria: Myriad Women's Health Autosomal Recessive and X-Linked Classification Criteria (2021). Collection method: clinical testing. Allele origin: unknown.
Comment: NM_000263.3(NAGLU):c.397delC(Q133Rfs*22) is expected to be pathogenic in the context of mucopolysaccharidosis type IIIB. This variant is predicted to lead to an abnormal or absent protein product due to the creation of a premature termination codon in NAGLU, a gene where loss-of-function variants are known to be pathogenic. Please note: this variant was assessed in the context of healthy population screening.

NM_000263.4(NAGLU):c.397del (p.Gln133fs)

Gene: NAGLU (N-acetyl-alpha-glucosaminidase; plus strand). Cytogenetic location: 17q21.2.
Variant type: Deletion.
Coding change: c.397del on transcript NM_000263.4 (MANE Select); coding-DNA position 397, one base deleted (C; older notation c.397delC).
Protein change: p.Gln133fs; shifts the reading frame from glutamine 133.
Molecular consequence: frameshift variant.
Genome position (GRCh38, 1-based): chr17:42,537,411, C deleted; the last of 2 consecutive C bases (chr17:42,537,410-42,537,411); deleting either gives the same sequence. VCF-style (leftmost placement, unchanged base first): chr17-42537409-AC-A. GRCh37 (hg19) VCF-style: chr17-40689427-AC-A.
Other names: short protein forms Q133fs.
Identifiers: ClinVar variation 1725245 (VCV001725245.2), dbSNP rs2510652024, ClinGen allele CA2580093958.
Genomic context (GRCh38, chr17:42,537,409, plus strand): 5'-GTGGACCCTCCAGGGTGGGATGCGCCCCTGCTCATGACACTGCCCGCAGGTACCGCTATT[AC>A]CAGAATGTGTGCACGCAAAGCTACTCTTTCGTGTGGTGGGACTGGGCCCGCTGGGAGCGA-3'